The following is an entry in ClinVar:

NM_001009999.3(KDM1A):c.810C>A (p.His270Gln)

Gene: KDM1A (lysine demethylase 1A; plus strand). Cytogenetic location: 1p36.12.
Variant type: single nucleotide variant.
Coding change: c.810C>A on transcript NM_001009999.3 (MANE Select); coding-DNA position 810, C replaced by A.
Protein change: p.His270Gln; replaces histidine 270 with glutamine.
Molecular consequence: missense variant.
Genome position (GRCh38, 1-based): chr1:23,055,088, C>A. VCF-style: chr1-23055088-C-A. GRCh37 (hg19) VCF-style: chr1-23381581-C-A.
Other names: c.750C>A, p.His250Gln (NM_001363654.2, NM_001410763.1, NM_015013.4); c.810C>A, p.His270Gln (NM_001410762.1); short protein forms H250Q, H270Q.
Identifiers: ClinVar variation 4042138 (VCV004042138.1).

ClinVar aggregate classification (germline): Uncertain significance (1 of 4 stars; one submission).

Conditions:
Inborn genetic diseases. Identifiers: MedGen C0950123, MeSH D030342.

gnomAD v4.1: 1 of 1,610,190 alleles (0.000062%); highest among the groups gnomAD compares: South Asian, 0.0011%; no homozygotes.

Submission:

Ambry Genetics
Classification: Uncertain significance for Inborn genetic diseases. Last evaluated: 2025-05-17. Review status: criteria provided, single submitter. Criteria: Ambry Variant Classification Scheme 2023. Collection method: clinical testing. Allele origin: germline.
Comment: The p.H270Q variant (also known as c.810C>A), located in coding exon 6 of the KDM1A gene, results from a C to A substitution at nucleotide position 810. The histidine at codon 270 is replaced by glutamine, an amino acid with highly similar properties. This amino acid position is conserved. In addition, the in silico prediction for this alteration is inconclusive. Based on the available evidence, the clinical significance of this variant remains unclear.